The following is an entry in ClinVar:

ClinVar aggregate classification (germline): Uncertain significance. Review status: criteria provided, multiple submitters, no conflicts (2 of 4 stars). 2 submissions from 2 submitters: Uncertain significance (2). Last evaluated 2025-06-16.

Conditions:
Wilson disease (WND). Also called: Wilson's disease. Identifiers: Orphanet 905, MedGen C0019202, MONDO:0010200, OMIM 277900. Disease mechanism: loss of function.

Submissions (2):

Mayo Clinic Laboratories, Mayo Clinic
Classification: Uncertain significance. Last evaluated: 2025-06-16. Review status: criteria provided, single submitter. Criteria: ACMG Guidelines, 2015. Collection method: clinical testing. Allele origin: germline. Observed: 1 variant allele.
Comment: PP3_moderate, PM2_supporting

ARUP Laboratories, Molecular Genetics and Genomics, ARUP Laboratories
Classification: Uncertain significance for Wilson disease. Last evaluated: 2024-03-07. Review status: criteria provided, single submitter. Criteria: ARUP Molecular Germline Variant Investigation Process 2024. Collection method: clinical testing. Allele origin: germline.
Comment: The ATP7B c.3622A>C; p.Thr1208Pro variant, to our knowledge, is not reported in the medical literature or gene specific databases. This variant is also absent from the Genome Aggregation Database (v2.1.1), indicating it is not a common polymorphism. Computational analyses predict that this variant is deleterious (REVEL: 0.914). However, given the lack of clinical and functional data, the significance of this variant is uncertain at this time.

NM_000053.4(ATP7B):c.3622A>C (p.Thr1208Pro)

Gene: ATP7B (ATPase copper transporting beta; minus strand). Cytogenetic location: 13q14.3.
Variant type: single nucleotide variant.
Coding change: c.3622A>C on transcript NM_000053.4 (MANE Select); coding-DNA position 3622, A replaced by C.
Protein change: p.Thr1208Pro; replaces threonine 1208 with proline.
Molecular consequence: missense variant.
Genome position (GRCh38, 1-based): chr13:51,939,128, T>G on the plus strand (A>C on the coding strand, the complement: ATP7B is on the minus strand). VCF-style: chr13-51939128-T-G. GRCh37 (hg19) VCF-style: chr13-52513264-T-G.
Other names: p.Thr1208Pro; c.3001A>C, p.Thr1001Pro (NM_001005918.3); c.3289A>C, p.Thr1097Pro (NM_001243182.2); c.3388A>C, p.Thr1130Pro (NM_001330578.2, NM_001406527.1, NM_001406528.1); c.3370A>C, p.Thr1124Pro (NM_001330579.2, NM_001406531.1, NM_001406532.1); c.3622A>C, p.Thr1208Pro (NM_001406511.1, NM_001406512.1, NM_001406526.1); c.3616A>C, p.Thr1206Pro (NM_001406513.1); c.3589A>C, p.Thr1197Pro (NM_001406514.1); and 21 more; short protein forms T1001P, T1014P, T1044P, T1046P, T1059P, T1065P, T1082P, T1095P.
Identifiers: ClinVar variation 3766499 (VCV003766499.2).